The following is an entry in ClinVar:

NM_000283.4(PDE6B):c.710A>G (p.Gln237Arg)

Gene: PDE6B (phosphodiesterase 6B; plus strand). Cytogenetic location: 4p16.3.
Variant type: single nucleotide variant.
Coding change: c.710A>G on transcript NM_000283.4 (MANE Select); coding-DNA position 710, A replaced by G.
Protein change: p.Gln237Arg; replaces glutamine 237 with arginine.
Molecular consequence: missense variant.
Genome position (GRCh38, 1-based): chr4:635,968, A>G. VCF-style: chr4-635968-A-G. GRCh37 (hg19) VCF-style: chr4-629757-A-G.
Other names: c.710A>G, p.Gln237Arg (NM_001145291.2); short protein forms Q237R.
Identifiers: ClinVar variation 2751023 (VCV002751023.3), dbSNP rs2474110534, ClinGen allele CA355909159.

ClinVar aggregate classification (germline): Uncertain significance (1 of 4 stars; one submission).

Submission:

Labcorp Genetics (formerly Invitae), Labcorp
Classification: Uncertain significance. Last evaluated: 2023-09-09. Review status: criteria provided, single submitter. Criteria: Invitae Variant Classification Sherloc (09022015). Collection method: clinical testing. Allele origin: germline.
Comment: This sequence change replaces glutamine, which is neutral and polar, with arginine, which is basic and polar, at codon 237 of the PDE6B protein (p.Gln237Arg). This variant is not present in population databases (gnomAD no frequency). This variant has not been reported in the literature in individuals affected with PDE6B-related conditions. An algorithm developed to predict the effect of missense changes on protein structure and function (PolyPhen-2) suggests that this variant is likely to be disruptive. Algorithms developed to predict the effect of sequence changes on RNA splicing suggest that this variant may disrupt the consensus splice site. In summary, the available evidence is currently insufficient to determine the role of this variant in disease. Therefore, it has been classified as a Variant of Uncertain Significance.